The following is an entry in ClinVar:

NM_002861.5(PCYT2):c.71G>C (p.Arg24Thr)

Genes: PCYT2 (phosphate cytidylyltransferase 2, ethanolamine; minus strand), LOC130061984 (ATAC-STARR-seq lymphoblastoid silent region 9166; plus strand). Cytogenetic location: 17q25.3.
Variant type: single nucleotide variant.
Coding change: c.71G>C on transcript NM_002861.5 (MANE Select); coding-DNA position 71, G replaced by C.
Protein change: p.Arg24Thr; replaces arginine 24 with threonine.
Molecular consequence: missense variant. On other transcripts: 5 prime UTR variant (2).
Genome position (GRCh38, 1-based): chr17:81,911,285, C>G on the plus strand (G>C on the coding strand, the complement: PCYT2 is on the minus strand). VCF-style: chr17-81911285-C-G. GRCh37 (hg19) VCF-style: chr17-79869161-C-G.
Other names: c.-448G>C (NM_001256435.3); c.71G>C, p.Arg24Thr (NM_001330518.2, NM_001184917.3, NM_001256433.3); c.-105G>C (NM_001256434.3); c.71G>C (NM_001184917.1); short protein forms R24T.
Identifiers: ClinVar variation 1700761 (VCV001700761.7), dbSNP rs550614133, ClinGen allele CA8844538.

ClinVar aggregate classification (germline): Uncertain significance. Review status: criteria provided, multiple submitters, no conflicts (2 of 4 stars). 2 submissions from 2 submitters: Uncertain significance (2). Last evaluated 2025-11-11.

Conditions:
Inborn genetic diseases. Identifiers: MedGen C0950123, MeSH D030342.

Allele frequency attached by ClinVar (database versions not stated): gnomAD 0.00005; 1000 Genomes Project 0.00020; gnomAD exomes 0.00014 and 0.00003; 1000 Genomes Project 30x 0.00031; ExAC 0.00087; TOPMed 0.00001.
gnomAD v4.1: 35 of 1,135,426 alleles (0.0031%); highest among the groups gnomAD compares: South Asian, 0.072%; no homozygotes.

Submissions (2):

GeneDx
Classification: Uncertain significance. Last evaluated: 2025-11-11. Review status: criteria provided, single submitter. Criteria: GeneDx Variant Classification Process June 2021. Collection method: clinical testing. Allele origin: germline. Affected: yes.
Comment: In silico analysis supports that this missense variant has a deleterious effect on protein structure/function; Has not been previously published as pathogenic or benign to our knowledge; Located in an alternate transcript of the gene

Ambry Genetics
Classification: Uncertain significance for Inborn genetic diseases. Last evaluated: 2025-08-26. Review status: criteria provided, single submitter. Criteria: Ambry Variant Classification Scheme 2023. Collection method: clinical testing. Allele origin: germline.